The following continues an entry in ClinVar:

NM_000243.3(MEFV):c.2040G>C (p.Met680Ile)

ClinVar aggregate classification (germline): Pathogenic/Likely pathogenic. Pathogenic (36); Likely pathogenic (1).

Submissions 38 to 48 of 48:

Zotz-Klimas Genetics Lab, MVZ Zotz Klimas
Classification: Pathogenic for Familial Mediterranean fever. Last evaluated: 2023-11-02. Review status: no assertion criteria provided. Collection method: clinical testing. Allele origin: germline. Affected: yes. Not counted in ClinVar's aggregate classification.

Clinic of Clinical Immunology with Stem Cell Bank, Expert Centre for Rare Diseases - PID, University Hospital "Alexandrovska"
Classification: Pathogenic for Familial Mediterranean fever. Last evaluated: 2022-05-01. Review status: no assertion criteria provided. Collection method: clinical testing. Allele origin: germline. Affected: yes. Not counted in ClinVar's aggregate classification.

Counsyl
Classification: Pathogenic for Familial Mediterranean fever. Last evaluated: 2019-03-15. Review status: no assertion criteria provided. Collection method: clinical testing. Allele origin: unknown. Not counted in ClinVar's aggregate classification.

OMIM
Classification: Pathogenic for FAMILIAL MEDITERRANEAN FEVER. Last evaluated: 1999-04-01. Review status: no assertion criteria provided. Collection method: literature only. Allele origin: germline. Not counted in ClinVar's aggregate classification.

Clinical Genetics DNA and cytogenetics Diagnostics Lab, Erasmus MC, Erasmus Medical Center
Classification: Pathogenic. Review status: no assertion criteria provided. Collection method: clinical testing. Allele origin: germline. Affected: yes. Study: VKGL Data-share Consensus. Not counted in ClinVar's aggregate classification.

Diagnostic Laboratory, Department of Genetics, University Medical Center Groningen
Classification: Pathogenic. Review status: no assertion criteria provided. Collection method: clinical testing. Allele origin: germline. Affected: yes. Study: VKGL Data-share Consensus. Not counted in ClinVar's aggregate classification.

GeneReviews
No classification provided. Condition: Familial Mediterranean fever. Review status: no classification provided. Collection method: literature only. Allele origin: germline. Affected: yes. Not counted in ClinVar's aggregate classification.

Genome Diagnostics Laboratory, Amsterdam University Medical Center
Classification: Pathogenic. Review status: no assertion criteria provided. Collection method: clinical testing. Allele origin: germline. Affected: yes. Study: VKGL Data-share Consensus. Not counted in ClinVar's aggregate classification.

Genome Diagnostics Laboratory, University Medical Center Utrecht
Classification: Pathogenic. Review status: no assertion criteria provided. Collection method: clinical testing. Allele origin: germline. Affected: yes. Study: VKGL Data-share Consensus. Not counted in ClinVar's aggregate classification.

Joint Genome Diagnostic Labs from Nijmegen and Maastricht, Radboudumc and MUMC+
Classification: Pathogenic. Review status: no assertion criteria provided. Collection method: clinical testing. Allele origin: germline. Affected: yes. Study: VKGL Data-share Consensus. Not counted in ClinVar's aggregate classification.

Dubai Health Genomic Medicine Center, Dubai Health
Classification: Pathogenic. Last evaluated: 2022-12-17. Review status: flagged submission. Criteria: ACMG Guidelines, 2015. Collection method: clinical testing. Allele origin: germline. Affected: yes. Not counted in ClinVar's aggregate classification.
ClinVar note: Reason: This record appears to be redundant with a more recent record from the same submitter.
ClinVar note: Notes: SCV002818117 appears to be redundant with SCV001448269.

Literature cited by the submitters: PubMed 9288758 (cited by 9 submitters); PubMed 21623663 (cited by 4 submitters); PubMed 23907647 (cited by 5 submitters); PubMed 23973724 (cited by 5 submitters); PubMed 10842288 (cited by 3billion); PubMed 10662876 (cited by Variantyx, Inc. and Mayo Clinic Laboratories, Mayo Clinic); PubMed 11977178 (cited by Variantyx, Inc. and Mayo Clinic Laboratories, Mayo Clinic); PubMed 10787449 (cited by Variantyx, Inc.); PubMed 10090880 (cited by 4 submitters); PubMed 29080837 (cited by Variantyx, Inc.); PubMed 36703223 (cited by Natera, Inc.); PubMed 32347339 (cited by Natera, Inc.); PubMed 10905662 (cited by Natera, Inc. and Women's Health and Genetics/Laboratory Corporation of America, LabCorp); PubMed 12908875 (cited by Mayo Clinic Laboratories, Mayo Clinic and Quest Diagnostics Nichols Institute San Juan Capistrano); PubMed 16785446 (cited by Mayo Clinic Laboratories, Mayo Clinic and Counsyl); PubMed 21600797 (cited by Mayo Clinic Laboratories, Mayo Clinic and Quest Diagnostics Nichols Institute San Juan Capistrano); PubMed 26176758 (cited by Mayo Clinic Laboratories, Mayo Clinic); PubMed 27270401 (cited by Mayo Clinic Laboratories, Mayo Clinic); PubMed 36777733 (cited by Mayo Clinic Laboratories, Mayo Clinic); PubMed 26510601 (cited by Quest Diagnostics Nichols Institute San Juan Capistrano); PubMed 27513391 (cited by Quest Diagnostics Nichols Institute San Juan Capistrano); PubMed 20669279 (cited by Quest Diagnostics Nichols Institute San Juan Capistrano); PubMed 16179998 (cited by Quest Diagnostics Nichols Institute San Juan Capistrano); PubMed 20437121 (cited by Quest Diagnostics Nichols Institute San Juan Capistrano); PubMed 19967574 (cited by Quest Diagnostics Nichols Institute San Juan Capistrano and Women's Health and Genetics/Laboratory Corporation of America, LabCorp); PubMed 20483145 (cited by Quest Diagnostics Nichols Institute San Juan Capistrano); PubMed 19151977 (cited by Quest Diagnostics Nichols Institute San Juan Capistrano); PubMed 15951859 (cited by Quest Diagnostics Nichols Institute San Juan Capistrano and Counsyl); PubMed 11464238 (cited by Ambry Genetics); PubMed 25393764 (cited by Ambry Genetics); PubMed 10024914 (cited by Women's Health and Genetics/Laboratory Corporation of America, LabCorp); PubMed 12105243 (cited by Women's Health and Genetics/Laboratory Corporation of America, LabCorp); PubMed 11017802 (cited by Women's Health and Genetics/Laboratory Corporation of America, LabCorp); PubMed 10737995 (cited by Women's Health and Genetics/Laboratory Corporation of America, LabCorp); PubMed 16439335 (cited by Women's Health and Genetics/Laboratory Corporation of America, LabCorp); PubMed 12401847 (cited by Women's Health and Genetics/Laboratory Corporation of America, LabCorp and Counsyl); PubMed 10612841 (cited by Women's Health and Genetics/Laboratory Corporation of America, LabCorp); PubMed 17331080 (cited by Women's Health and Genetics/Laboratory Corporation of America, LabCorp); PubMed 20534143 (cited by Women's Health and Genetics/Laboratory Corporation of America, LabCorp); PubMed 16255051 (cited by Women's Health and Genetics/Laboratory Corporation of America, LabCorp); PubMed 10364520 (cited by Women's Health and Genetics/Laboratory Corporation of America, LabCorp); PubMed 14727057 (cited by Women's Health and Genetics/Laboratory Corporation of America, LabCorp); PubMed 17489852 (cited by Women's Health and Genetics/Laboratory Corporation of America, LabCorp); PubMed 10447272 (cited by Women's Health and Genetics/Laboratory Corporation of America, LabCorp); PubMed 12687559 (cited by Women's Health and Genetics/Laboratory Corporation of America, LabCorp); PubMed 11938447 (cited by Women's Health and Genetics/Laboratory Corporation of America, LabCorp); PubMed 19863562 (cited by Counsyl); PubMed 11468188 (cited by Counsyl); PubMed 9288094 (cited by OMIM); PubMed 16627024 (cited by GeneReviews); NCBI Bookshelf NBK1227 (cited by GeneReviews).